The following is an entry in ClinVar:

NM_022095.4(ZNF335):c.3207C>G (p.His1069Gln)

Gene: ZNF335 (zinc finger protein 335; minus strand). Cytogenetic location: 20q13.12.
Variant type: single nucleotide variant.
Coding change: c.3207C>G on transcript NM_022095.4 (MANE Select); coding-DNA position 3207, C replaced by G.
Protein change: p.His1069Gln; replaces histidine 1069 with glutamine.
Molecular consequence: missense variant.
Genome position (GRCh38, 1-based): chr20:45,950,578, G>C on the plus strand (C>G on the coding strand, the complement: ZNF335 is on the minus strand). VCF-style: chr20-45950578-G-C. GRCh37 (hg19) VCF-style: chr20-44579217-G-C.
Other names: short protein forms H1069Q.
Identifiers: ClinVar variation 3360106 (VCV003360106.1).

ClinVar aggregate classification (germline): Uncertain significance (1 of 4 stars; one submission).

gnomAD v4.1: 3 of 1,613,896 alleles (0.00019%); highest among the groups gnomAD compares: Non-Finnish European, 0.00025%; no homozygotes.

Submission:

GeneDx
Classification: Uncertain significance. Last evaluated: 2023-06-20. Review status: criteria provided, single submitter. Criteria: GeneDx Variant Classification Process June 2021. Collection method: clinical testing. Allele origin: germline. Affected: yes.
Comment: Not observed at significant frequency in large population cohorts (gnomAD); In silico analysis supports that this missense variant has a deleterious effect on protein structure/function; Has not been previously published as pathogenic or benign to our knowledge